The following is an entry in ClinVar:

NM_006206.6(PDGFRA):c.2291G>T (p.Arg764Leu)

Gene: PDGFRA (platelet derived growth factor receptor alpha; plus strand). Cytogenetic location: 4q12.
Variant type: single nucleotide variant.
Coding change: c.2291G>T on transcript NM_006206.6 (MANE Select); coding-DNA position 2291, G replaced by T.
Protein change: p.Arg764Leu; replaces arginine 764 with leucine.
Molecular consequence: missense variant.
Genome position (GRCh38, 1-based): chr4:54,280,450, G>T. VCF-style: chr4-54280450-G-T. GRCh37 (hg19) VCF-style: chr4-55146617-G-T.
Other names: c.2291G>T, p.Arg764Leu (NM_001347827.2, NM_001347829.2); c.2366G>T, p.Arg789Leu (NM_001347828.2); c.2330G>T, p.Arg777Leu (NM_001347830.2); short protein forms R777L, R764L, R789L.
Identifiers: ClinVar variation 854373 (VCV000854373.10), dbSNP rs141047712, ClinGen allele CA356894492.
Genomic context (GRCh38, chr4:54,280,450, plus strand): 5'-CCATGCTAGAAAGGAAAGAGGTTTCTAAATATTCCGACATCCAGAGATCACTCTATGATC[G>T]TCCAGCCTCATATAAGAAGAAATCTATGTTAGGTAAAAGTGTCTATACTCACTCTGGGTG-3'
Protein context (NP_006197.1, residues 754-774): YSDIQRSLYD[Arg764Leu]PASYKKKSML

ClinVar aggregate classification (germline): Uncertain significance (1 of 4 stars; one submission).

Conditions:
Gastrointestinal stromal tumor. Also called: Gastrointestinal stromal tumor, somatic; Gastrointestinal stroma tumor. Identifiers: Orphanet 44890, MedGen C0238198, MeSH D046152, MONDO:0011719, OMIM 606764, HP:0100723.

Submission:

Labcorp Genetics (formerly Invitae), Labcorp
Classification: Uncertain significance for Gastrointestinal stromal tumor. Last evaluated: 2019-12-02. Review status: criteria provided, single submitter. Criteria: Invitae Variant Classification Sherloc (09022015). Collection method: clinical testing. Allele origin: germline.
Comment: In summary, the available evidence is currently insufficient to determine the role of this variant in disease. Therefore, it has been classified as a Variant of Uncertain Significance. Algorithms developed to predict the effect of missense changes on protein structure and function (SIFT, PolyPhen-2, Align-GVGD) all suggest that this variant is likely to be disruptive, but these predictions have not been confirmed by published functional studies and their clinical significance is uncertain. This variant has not been reported in the literature in individuals with PDGFRA-related conditions. This variant is not present in population databases (ExAC no frequency). This sequence change replaces arginine with leucine at codon 764 of the PDGFRA protein (p.Arg764Leu). The arginine residue is highly conserved and there is a moderate physicochemical difference between arginine and leucine.